The following is an entry in ClinVar:

NM_014230.4(SRP68):c.43GGCAGTGGCGGCGGCGGT[3] (p.Gly26_Ser27insGlySerGlyGlyGlyGly)

Genes: GALR2 (galanin receptor 2; plus strand), SRP68 (signal recognition particle 68; minus strand). Cytogenetic location: 17q25.1.
Variant type: Microsatellite.
Coding change: c.43GGCAGTGGCGGCGGCGGT[3] on transcript NM_014230.4 (MANE Select); three copies in a row of the 18-base unit GGCAGTGGCGGCGGCGGT starting at c.43; the reference has two copies in a row; one copy, 18 bases duplicated.
Protein change: p.Gly26_Ser27insGlySerGlyGlyGlyGly.
Molecular consequence: inframe insertion. On other transcripts: non-coding transcript variant (1).
Genome position (GRCh38, 1-based): chr17:76,072,414-76,072,431, ACCGCCGCCGCCACTGCC duplicated on the plus strand (GGCAGTGGCGGCGGCGGT on the coding strand, the reverse complement: SRP68 is on the minus strand); duplicating any 18 consecutive bases within chr17:76,072,414-76,072,449 gives the same sequence; the position shown is the placement nearest the transcript's 3' end. VCF-style (leftmost placement, unchanged base first): chr17-76072413-T-TACCGCCGCCGCCACTGCC. GRCh37 (hg19) VCF-style: chr17-74068494-T-TACCGCCGCCGCCACTGCC.
Other names: c.43GGCAGTGGCGGCGGCGGT[3], p.Gly26_Ser27insGlySerGlyGlyGlyGly (NM_001260502.2).
Identifiers: ClinVar variation 4978648 (VCV004978648.1).
Genomic context (GRCh38, chr17:76,072,413, plus strand): 5'-CGGCCGAAGGGCGTTCGTTTTCTTTATTTTCTTCCCCTCCGGCACCACGTCCACCGCCGC[T>TACCGCCGCCGCCACTGCC]ACCGCCGCCGCCACTGCCACCGCCGCCGCCACTGCCGCCGCCGCCGCCGCCGCCTGGGAC-3'

ClinVar aggregate classification (germline): Likely benign (1 of 4 stars; one submission).

Conditions:
SRP68-related condition.

Submission:

PreventionGenetics, part of Exact Sciences
Classification: Likely benign for SRP68-related condition. Last evaluated: 2026-04-30. Review status: criteria provided, single submitter. Criteria: ACMG Guidelines, 2015. Collection method: clinical testing. Allele origin: germline.
Comment: This variant is classified as likely benign based on ACMG/AMP sequence variant interpretation guidelines (Richards et al. 2015 PMID: 25741868, with internal and published modifications).